The following is an entry in ClinVar:

ClinVar aggregate classification (germline): Pathogenic (1 of 4 stars; one submission).

Conditions:
Mucolipidosis type IV (ML4). Also called: ML IV. Identifiers: Orphanet 578, MedGen C0238286, MONDO:0009653, OMIM 252650.

Submission:

Labcorp Genetics (formerly Invitae), Labcorp
Classification: Pathogenic for Mucolipidosis type IV. Last evaluated: 2023-06-23. Review status: criteria provided, single submitter. Criteria: Invitae Variant Classification Sherloc (09022015). Collection method: clinical testing. Allele origin: germline.
Comment: This sequence change creates a premature translational stop signal (p.Leu314Serfs*58) in the MCOLN1 gene. It is expected to result in an absent or disrupted protein product. Loss-of-function variants in MCOLN1 are known to be pathogenic (PMID: 11030752, 11317355). This variant is not present in population databases (gnomAD no frequency). This variant has not been reported in the literature in individuals affected with MCOLN1-related conditions. For these reasons, this variant has been classified as Pathogenic.

Literature cited by the submitters: PubMed 11030752; PubMed 11317355.

NM_020533.3(MCOLN1):c.940del (p.Leu314fs)

Gene: MCOLN1 (mucolipin TRP cation channel 1; plus strand). Cytogenetic location: 19p13.2.
Variant type: Deletion.
Coding change: c.940del on transcript NM_020533.3 (MANE Select); coding-DNA position 940, one base deleted (C; older notation c.940delC).
Protein change: p.Leu314fs; shifts the reading frame from leucine 314.
Molecular consequence: frameshift variant.
Genome position (GRCh38, 1-based): chr19:7,528,659, C deleted; the last of 2 consecutive C bases (chr19:7,528,658-7,528,659); deleting either gives the same sequence. VCF-style (leftmost placement, unchanged base first): chr19-7528657-TC-T. GRCh37 (hg19) VCF-style: chr19-7593543-TC-T.
Other names: short protein forms L314fs.
Identifiers: ClinVar variation 2841265 (VCV002841265.3), dbSNP rs1246174371, ClinGen allele CA884202248.
Genomic context (GRCh38, chr19:7,528,657, plus strand): 5'-GAGACAACAGCTTCCGGCTCCTGTTTGACGTGGTGGTCATCCTCACCTGCTCCCTGTCCT[TC>T]CTCCTCTGCGCCCGCTCACTCCTTCGAGGCTTCCTGCTGCAGAACGTGAGGCTTCTGCGT-3'